The following is an entry in ClinVar:

NM_015295.3(SMCHD1):c.3700C>G (p.Leu1234Val)

Gene: SMCHD1 (structural maintenance of chromosomes flexible hinge domain containing 1; plus strand). Cytogenetic location: 18p11.32.
Variant type: single nucleotide variant.
Coding change: c.3700C>G on transcript NM_015295.3 (MANE Select); coding-DNA position 3700, C replaced by G.
Protein change: p.Leu1234Val; replaces leucine 1234 with valine.
Molecular consequence: missense variant.
Genome position (GRCh38, 1-based): chr18:2,743,827, C>G. VCF-style: chr18-2743827-C-G. GRCh37 (hg19) VCF-style: chr18-2743825-C-G.
Other names: short protein forms L1234V.
Identifiers: ClinVar variation 1488588 (VCV001488588.6), dbSNP rs1214211314, ClinGen allele CA401689538.
Genomic context (GRCh38, chr18:2,743,827, plus strand): 5'-ACACAGAGTATAAGTGTAAGAGGCATCAAATTTATTCCAGGTCCTCCTGGAAATAAGGAT[C>G]TTTGTTTTACTTGGCGTGAGTTTTCTGACTTTATTCGAGTGCAACTAATTTCTGGACCTC-3'
Protein context (NP_056110.2, residues 1224-1244): FIPGPPGNKD[Leu1234Val]CFTWREFSDF

ClinVar aggregate classification (germline): Uncertain significance (1 of 4 stars; one submission).

Conditions:
Facioscapulohumeral muscular dystrophy 2 (FSHD2). Also called: MUSCULAR DYSTROPHY, FACIOSCAPULOHUMERAL, TYPE 1B; FACIOSCAPULOHUMERAL MUSCULAR DYSTROPHY 2, DIGENIC; FSHD2, DIGENIC. Identifiers: Orphanet 269, MedGen C1834671, MONDO:0008031, OMIM 158901.

Submission:

Labcorp Genetics (formerly Invitae), Labcorp
Classification: Uncertain significance for Facioscapulohumeral muscular dystrophy 2. Last evaluated: 2021-10-21. Review status: criteria provided, single submitter. Criteria: Invitae Variant Classification Sherloc (09022015). Collection method: clinical testing. Allele origin: germline.
Comment: This sequence change replaces leucine with valine at codon 1234 of the SMCHD1 protein (p.Leu1234Val). The leucine residue is highly conserved and there is a small physicochemical difference between leucine and valine. This variant is not present in population databases (ExAC no frequency). In summary, the available evidence is currently insufficient to determine the role of this variant in disease. Therefore, it has been classified as a Variant of Uncertain Significance. Algorithms developed to predict the effect of missense changes on protein structure and function (SIFT, PolyPhen-2, Align-GVGD) all suggest that this variant is likely to be disruptive. This variant has not been reported in the literature in individuals affected with SMCHD1-related conditions.